The following is an entry in ClinVar:

ClinVar aggregate classification (germline): Uncertain significance (1 of 4 stars; one submission).

Conditions:
Familial thoracic aortic aneurysm and aortic dissection (TAAD). Also called: Thoracic aortic aneurysms and dissections. Identifiers: Orphanet 91387, MedGen C4707243, MONDO:0019625.

Allele frequency attached by ClinVar (database versions not stated): gnomAD exomes below 0.00001.
gnomAD v4.1: 5 of 1,612,738 alleles (0.00031%); highest among the groups gnomAD compares: Non-Finnish European, 0.00042%; no homozygotes.

Submission:

Ambry Genetics
Classification: Uncertain significance for Familial thoracic aortic aneurysm and aortic dissection. Last evaluated: 2024-02-06. Review status: criteria provided, single submitter. Criteria: Ambry Variant Classification Scheme 2023. Collection method: clinical testing. Allele origin: germline.
Comment: The p.Q332H variant (also known as c.996G>C), located in coding exon 10 of the PLOD1 gene, results from a G to C substitution at nucleotide position 996. The glutamine at codon 332 is replaced by histidine, an amino acid with highly similar properties. This amino acid position is conserved. In addition, this alteration is predicted to be tolerated by in silico analysis. Based on the available evidence, the clinical significance of this alteration remains unclear.

NM_000302.4(PLOD1):c.996G>C (p.Gln332His)

Gene: PLOD1 (procollagen-lysine,2-oxoglutarate 5-dioxygenase 1; plus strand). Cytogenetic location: 1p36.22.
Variant type: single nucleotide variant.
Coding change: c.996G>C on transcript NM_000302.4 (MANE Select); coding-DNA position 996, G replaced by C.
Protein change: p.Gln332His; replaces glutamine 332 with histidine.
Molecular consequence: missense variant.
Genome position (GRCh38, 1-based): chr1:11,960,666, G>C. VCF-style: chr1-11960666-G-C. GRCh37 (hg19) VCF-style: chr1-12020723-G-C.
Other names: c.1137G>C, p.Gln379His (NM_001316320.2); short protein forms Q332H, Q379H.
Identifiers: ClinVar variation 3231141 (VCV003231141.1), dbSNP rs2522841179, ClinGen allele CA338436621.
Genomic context (GRCh38, chr1:11,960,666, plus strand): 5'-CTCCTCACCCCCGCATCCCCTTCCCCATCCCCAACCCCAGGAGCAGCACCACAAGGCTCA[G>C]GTGGAAGAGTTCCTGGCACAGCATGGCAGCGAGTACCAGTCTGTGAAGCTGGTGGGCCCT-3'
Protein context (NP_000293.2, residues 322-342): IHNHEQHHKA[Gln332His]VEEFLAQHGS